The following is an entry in ClinVar:

NM_032228.6(FAR1):c.388A>G (p.Ile130Val)

Gene: FAR1 (fatty acyl-CoA reductase 1; plus strand). Cytogenetic location: 11p15.3.
Variant type: single nucleotide variant.
Coding change: c.388A>G on transcript NM_032228.6 (MANE Select); coding-DNA position 388, A replaced by G.
Protein change: p.Ile130Val; replaces isoleucine 130 with valine.
Molecular consequence: missense variant.
Genome position (GRCh38, 1-based): chr11:13,707,922, A>G. VCF-style: chr11-13707922-A-G. GRCh37 (hg19) VCF-style: chr11-13729469-A-G.
Other names: short protein forms I130V.
Identifiers: ClinVar variation 2986878 (VCV002986878.3), dbSNP rs1180863691, ClinGen allele CA379856560.
Genomic context (GRCh38, chr11:13,707,922, plus strand): 5'-TTCCCAATTTTCTATTGTCACTTTTTCTTTTTAAACAGAGATGCTGTTCAGTTAAATGTG[A>G]TTGCAACGCGACAGCTTATTCTCCTTGCACAACAAATGAAGAATCTGGAAGTGTTCATGC-3'
Protein context (NP_115604.1, residues 120-140): NLRDAVQLNV[Ile130Val]ATRQLILLAQ

ClinVar aggregate classification (germline): Uncertain significance (1 of 4 stars; one submission).

Allele frequency attached by ClinVar (database versions not stated): TOPMed below 0.00001; gnomAD 0.00001; gnomAD exomes 0.00002.
gnomAD v4.1: 27 of 1,584,376 alleles (0.0017%); highest among the groups gnomAD compares: Non-Finnish European, 0.0023%; no homozygotes.

Submission:

Labcorp Genetics (formerly Invitae), Labcorp
Classification: Uncertain significance. Last evaluated: 2025-09-10. Review status: criteria provided, single submitter. Criteria: Invitae Variant Classification Sherloc (09022015). Collection method: clinical testing. Allele origin: germline.
Comment: This sequence change replaces isoleucine, which is neutral and non-polar, with valine, which is neutral and non-polar, at codon 130 of the FAR1 protein (p.Ile130Val). The frequency data for this variant in the population databases is considered unreliable, as metrics indicate poor data quality at this position in the gnomAD database. This variant has not been reported in the literature in individuals affected with FAR1-related conditions. ClinVar contains an entry for this variant (Variation ID: 2986878). Invitae Evidence Modeling of protein sequence and biophysical properties (such as structural, functional, and spatial information, amino acid conservation, physicochemical variation, residue mobility, and thermodynamic stability) indicates that this missense variant is not expected to disrupt FAR1 protein function with a negative predictive value of 80%. In summary, the available evidence is currently insufficient to determine the role of this variant in disease. Therefore, it has been classified as a Variant of Uncertain Significance.